The following is an entry in ClinVar:

ClinVar aggregate classification (germline): Pathogenic (1 of 4 stars; one submission).

Conditions:
Hereditary cancer-predisposing syndrome. Also called: Neoplastic Syndromes, Hereditary; Tumor predisposition; Hereditary neoplastic syndrome; Hereditary Cancer Syndrome. Identifiers: Orphanet 140162, MedGen C0027672, MeSH D009386, MONDO:0015356.

Submission:

Ambry Genetics
Classification: Pathogenic for Hereditary cancer-predisposing syndrome. Last evaluated: 2026-07-29. Review status: criteria provided, single submitter. Criteria: Ambry Variant Classification Scheme 2023. Collection method: clinical testing. Allele origin: germline.
Comment: The c.1448dupC pathogenic mutation, located in coding exon 9 of the MEN1 gene, results from a duplication of C at nucleotide position 1448, causing a translational frameshift with a predicted alternate stop codon (p.R484Tfs*47). This variant occurs at the 3' terminus of the gene, is not expected to trigger nonsense-mediated mRNA decay, and impacts the last 21% of the protein. However, premature stop codons are typically deleterious in nature and the impacted region is critical for protein function (Ambry internal data). This variant is considered to be rare based on population cohorts in the Genome Aggregation Database (gnomAD). Based on the supporting evidence, this variant is interpreted as a disease-causing mutation.

NM_001370259.2(MEN1):c.1448dup (p.Arg484fs)

Gene: MEN1 (menin 1; minus strand). Cytogenetic location: 11q13.1.
Variant type: Duplication.
Coding change: c.1448dup on transcript NM_001370259.2 (MANE Select); coding-DNA position 1448, one base duplicated (C; older notation c.1448dupC).
Protein change: p.Arg484fs; shifts the reading frame from arginine 484.
Molecular consequence: frameshift variant. On other transcripts: non-coding transcript variant (4).
Genome position (GRCh38, 1-based): chr11:64,804,719, G duplicated on the plus strand (C on the coding strand, the reverse complement: MEN1 is on the minus strand); the first of 3 consecutive G bases (chr11:64,804,719-64,804,721); duplicating any one gives the same sequence. VCF-style (leftmost placement, unchanged base first): chr11-64804718-T-TG. GRCh37 (hg19) VCF-style: chr11-64572190-T-TG.
Other names: c.1463dup, p.Arg489fs (NM_000244.4, NM_001407145.1, NM_130800.3 and 4 more transcripts); c.1574dup, p.Arg526fs (NM_001370251.2, NM_001407142.1, NM_001407143.1 and 1 more transcripts); c.1448dup, p.Arg484fs (NM_001370260.2, NM_001370261.2, NM_001407146.1 and 2 more transcripts); c.1343dup, p.Arg449fs (NM_001370262.2, NM_001370263.2, NM_001407148.1 and 1 more transcripts); c.1589dup, p.Arg531fs (NM_001407150.1); c.1469dup, p.Arg491fs (NM_001407151.1); c.1283dup, p.Arg429fs (NM_001407152.1); c.1448dupC (NM_130799.2); short protein forms R489fs, R449fs, R484fs, R491fs, R526fs, R531fs, R429fs.
Identifiers: ClinVar variation 5024296 (VCV005024296.1).
Genomic context (GRCh38, chr11:64,804,718, plus strand): 5'-GCCCTTGTCCAGTGCTGGCTTCTTGGGCGGCGGGGGCTCCTCTGGCTTGGACTCCCGCCG[T>TG]GGGCCCCGCCGCCGGCCTTCCCGGGCTTCCTCGCCCCACGGCTCCTCGGCCTCGGCCGCC-3'